The following is an entry in ClinVar:

ClinVar aggregate classification (germline): Conflicting classifications of pathogenicity. Review status: criteria provided, conflicting classifications (1 of 4 stars). 2 submissions from 2 submitters: Likely pathogenic (1); Uncertain significance (1). Last evaluated 2024-05-08.

Conditions:
Retinoblastoma (RB1). Also called: RETINOBLASTOMA, SOMATIC. Identifiers: Orphanet 790, MedGen C0035335, MeSH D012175, MONDO:0008380, OMIM 180200, HP:0009919. Disease mechanism: loss of function. Inheritance: Both sporadic and heritable forms are tested..
Hereditary cancer-predisposing syndrome. Also called: Hereditary neoplastic syndrome; Neoplastic Syndromes, Hereditary; Tumor predisposition; Hereditary Cancer Syndrome. Identifiers: Orphanet 140162, MedGen C0027672, MeSH D009386, MONDO:0015356.

Submissions (2):

Ambry Genetics
Classification: Likely pathogenic for Hereditary cancer-predisposing syndrome. Last evaluated: 2024-05-08. Review status: criteria provided, single submitter. Criteria: Ambry Variant Classification Scheme 2023. Collection method: clinical testing. Allele origin: germline.
Comment: The c.1332+3A>T intronic variant results from an A to T substitution 3 nucleotides after coding exon 13 in the RB1 gene. This nucleotide position is highly conserved in available vertebrate species. In silico splice site analysis predicts that this alteration will weaken the native splice donor site. RNA studies have demonstrated that this alteration results in abnormal splicing in the set of samples tested (Ambry internal data). This variant is considered to be rare based on population cohorts in the Genome Aggregation Database (gnomAD). Based on the majority of available evidence to date, this variant is likely to be pathogenic.

Labcorp Genetics (formerly Invitae), Labcorp
Classification: Uncertain significance for Retinoblastoma. Last evaluated: 2019-02-24. Review status: criteria provided, single submitter. Criteria: Invitae Variant Classification Sherloc (09022015). Collection method: clinical testing. Allele origin: germline.
Comment: This sequence change falls in intron 13 of the RB1 gene. It does not directly change the encoded amino acid sequence of the RB1 protein, but it affects a nucleotide within the consensus splice site of the intron. This variant is not present in population databases (ExAC no frequency). This variant has not been reported in the literature in individuals with RB1-related conditions. Nucleotide substitutions within the consensus splice site are a relatively common cause of aberrant splicing (PMID: 17576681, 9536098). Algorithms developed to predict the effect of sequence changes on RNA splicing suggest that this variant may disrupt the consensus splice site, but this prediction has not been confirmed by published transcriptional studies. In summary, the available evidence is currently insufficient to determine the role of this variant in disease. Therefore, it has been classified as a Variant of Uncertain Significance.

Literature cited by the submitters: PubMed 17576681 (cited by Labcorp Genetics (formerly Invitae), Labcorp); PubMed 9536098 (cited by Labcorp Genetics (formerly Invitae), Labcorp).

NM_000321.3(RB1):c.1332+3A>T

Gene: RB1 (RB transcriptional corepressor 1; plus strand). Cytogenetic location: 13q14.2.
Variant type: single nucleotide variant.
Coding change: c.1332+3A>T on transcript NM_000321.3 (MANE Select); 3 bases into the intron after coding-DNA position 1332, A replaced by T.
Molecular consequence: intron variant.
Genome position (GRCh38, 1-based): chr13:48,377,037, A>T. VCF-style: chr13-48377037-A-T. GRCh37 (hg19) VCF-style: chr13-48951173-A-T.
Identifiers: ClinVar variation 835695 (VCV000835695.8), dbSNP rs1952832685, ClinGen allele CA916081691.